The following is an entry in ClinVar:

NM_014141.6(CNTNAP2):c.3678C>G (p.Ser1226=)

Gene: CNTNAP2 (contactin associated protein 2; plus strand). Cytogenetic location: 7q36.1.
Variant type: single nucleotide variant.
Coding change: c.3678C>G on transcript NM_014141.6 (MANE Select); coding-DNA position 3678, C replaced by G.
Protein change: p.Ser1226=; no amino-acid change (serine 1226 retained).
Molecular consequence: synonymous variant.
Genome position (GRCh38, 1-based): chr7:148,383,851, C>G. VCF-style: chr7-148383851-C-G. GRCh37 (hg19) VCF-style: chr7-148080943-C-G.
Identifiers: ClinVar variation 588349 (VCV000588349.30), dbSNP rs201219937, ClinGen allele CA4546726.

ClinVar aggregate classification (germline): Likely benign. Review status: criteria provided, multiple submitters, no conflicts (2 of 4 stars). 7 submissions from 7 submitters: Likely benign (7). Last evaluated 2026-10-01.

Conditions:
Inborn genetic diseases. Identifiers: MedGen C0950123, MeSH D030342.
CNTNAP2-related disorder. Also called: CNTNAP2-related condition.
Cortical dysplasia-focal epilepsy syndrome (PTHSL1). Also called: Pitt-Hopkins-like syndrome 1. Identifiers: Orphanet 163681, Orphanet 221150, MedGen C2750246, MONDO:0012400, OMIM 610042.

Allele frequency attached by ClinVar (database versions not stated): ESP Exome Variant Server 0.00015; TOPMed 0.00026; 1000 Genomes Project 0.00040; 1000 Genomes Project 30x 0.00062.
gnomAD v4.1: 157 of 1,613,926 alleles (0.0097%); highest among the groups gnomAD compares: Admixed American, 0.038%; no homozygotes.

Submissions (7):

CeGaT Center for Human Genetics Tuebingen
Classification: Likely benign. Last evaluated: 2026-10-01. Review status: criteria provided, single submitter. Criteria: CeGaT Center For Human Genetics Tuebingen Variant Classification Criteria Version 2. Collection method: clinical testing. Allele origin: germline. Affected: yes. Observed: 3 variant alleles.
Comment: CNTNAP2: BP4, BP7

PreventionGenetics, part of Exact Sciences
Classification: Likely benign for CNTNAP2-related condition. Last evaluated: 2026-08-31. Review status: criteria provided, single submitter. Criteria: ACMG Guidelines, 2015. Collection method: clinical testing. Allele origin: germline.
Comment: This variant is classified as likely benign based on ACMG/AMP sequence variant interpretation guidelines (Richards et al. 2015 PMID: 25741868, with internal and published modifications).

Labcorp Genetics (formerly Invitae), Labcorp
Classification: Likely benign for Cortical dysplasia-focal epilepsy syndrome. Last evaluated: 2026-01-14. Review status: criteria provided, single submitter. Criteria: Invitae Variant Classification Sherloc (09022015). Collection method: clinical testing. Allele origin: germline.

Blueprint Genetics
Classification: Likely benign. Last evaluated: 2024-11-25. Review status: criteria provided, single submitter. Criteria: ACMG Guidelines, 2015. Collection method: clinical testing. Allele origin: germline.

GeneDx
Classification: Likely benign. Last evaluated: 2019-06-27. Review status: criteria provided, single submitter. Criteria: GeneDx Variant Classification Process June 2021. Collection method: clinical testing. Allele origin: germline. Affected: yes.

Genetic Services Laboratory, University of Chicago
Classification: Likely benign. Last evaluated: 2018-10-12. Review status: criteria provided, single submitter. Criteria: ACMG Guidelines, 2015. Collection method: clinical testing. Allele origin: germline. Affected: no.

Ambry Genetics
Classification: Likely benign for Inborn genetic diseases. Last evaluated: 2016-10-17. Review status: criteria provided, single submitter. Criteria: Ambry Variant Classification Scheme 2023. Collection method: clinical testing. Allele origin: germline.